The following is an entry in ClinVar:

ClinVar aggregate classification (germline): Uncertain significance (1 of 4 stars; one submission).

gnomAD v4.1: 11 of 1,209,757 alleles (0.00091%); highest among the groups gnomAD compares: Middle Eastern, 0.023%; no homozygotes.

Submission:

GeneDx
Classification: Uncertain significance. Last evaluated: 2024-08-14. Review status: criteria provided, single submitter. Criteria: GeneDx Variant Classification Process June 2021. Collection method: clinical testing. Allele origin: germline. Affected: yes.
Comment: Has not been previously published as pathogenic or benign to our knowledge; In silico analysis supports that this missense variant has a deleterious effect on protein structure/function

NM_002637.4(PHKA1):c.929G>A (p.Arg310His)

Gene: PHKA1 (phosphorylase kinase regulatory subunit alpha 1; minus strand). Cytogenetic location: Xq13.1.
Variant type: single nucleotide variant.
Coding change: c.929G>A on transcript NM_002637.4 (MANE Select); coding-DNA position 929, G replaced by A.
Protein change: p.Arg310His; replaces arginine 310 with histidine.
Molecular consequence: missense variant.
Genome position (GRCh38, 1-based): chrX:72,656,232, C>T on the plus strand (G>A on the coding strand, the complement: PHKA1 is on the minus strand). VCF-style: chrX-72656232-C-T. GRCh37 (hg19) VCF-style: chrX-71876082-C-T.
Other names: c.929G>A, p.Arg310His (NM_001122670.2, NM_001172436.2, NM_001431068.1); short protein forms R310H.
Identifiers: ClinVar variation 3731141 (VCV003731141.1).